The following is an entry in ClinVar:

ClinVar aggregate classification (germline): Conflicting classifications of pathogenicity. Review status: criteria provided, conflicting classifications (1 of 4 stars). 3 submissions from 3 submitters: Uncertain significance (2); Likely benign (1). Last evaluated 2026-03-24.

Conditions:
ADGRV1-related disorder. Also called: ADGRV1-related disorders; ADGRV1-related condition.
Inborn genetic diseases. Identifiers: MedGen C0950123, MeSH D030342.

Allele frequency attached by ClinVar (database versions not stated): gnomAD 0.00002; TOPMed 0.00002; gnomAD exomes 0.00003; ExAC 0.00004; ESP Exome Variant Server 0.00008.
gnomAD v4.1: 97 of 1,613,572 alleles (0.006%); highest among the groups gnomAD compares: Non-Finnish European, 0.0081%; no homozygotes.

Submissions (3):

PreventionGenetics, part of Exact Sciences
Classification: Uncertain significance for ADGRV1-related condition. Last evaluated: 2026-03-24. Review status: criteria provided, single submitter. Criteria: ACMG Guidelines, 2015. Collection method: clinical testing. Allele origin: germline.
Comment: The ADGRV1 c.11206A>C variant is predicted to result in the amino acid substitution p.Ile3736Leu. To our knowledge, this variant has not been reported in the literature. This variant is reported in 0.0047% of alleles in individuals of European (Non-Finnish) descent in gnomAD. At this time, the clinical significance of this variant is uncertain due to the absence of conclusive functional and genetic evidence.

Ambry Genetics
Classification: Uncertain significance for Inborn genetic diseases. Last evaluated: 2025-07-02. Review status: criteria provided, single submitter. Criteria: Ambry Variant Classification Scheme 2023. Collection method: clinical testing. Allele origin: germline.

Labcorp Genetics (formerly Invitae), Labcorp
Classification: Likely benign. Last evaluated: 2024-11-08. Review status: criteria provided, single submitter. Criteria: Invitae Variant Classification Sherloc (09022015). Collection method: clinical testing. Allele origin: germline.

NM_032119.4(ADGRV1):c.11206A>C (p.Ile3736Leu)

Gene: ADGRV1 (adhesion G protein-coupled receptor V1; plus strand). Cytogenetic location: 5q14.3.
Variant type: single nucleotide variant.
Coding change: c.11206A>C on transcript NM_032119.4 (MANE Select); coding-DNA position 11206, A replaced by C.
Protein change: p.Ile3736Leu; replaces isoleucine 3736 with leucine.
Molecular consequence: missense variant. On other transcripts: non-coding transcript variant (1).
Genome position (GRCh38, 1-based): chr5:90,753,658, A>C. VCF-style: chr5-90753658-A-C. GRCh37 (hg19) VCF-style: chr5-90049475-A-C.
Other names: c.11206A>C (NM_032119.3); short protein forms I3736L.
Identifiers: ClinVar variation 1409239 (VCV001409239.9), dbSNP rs374344462, ClinGen allele CA3340921.